The following is an entry in ClinVar:

ClinVar aggregate classification (germline): Likely benign (1 of 4 stars; one submission).

Allele frequency attached by ClinVar (database versions not stated): gnomAD exomes 0.00001; TOPMed 0.00001.
gnomAD v4.1: 12 of 1,597,960 alleles (0.00075%); highest among the groups gnomAD compares: Middle Eastern, 0.017%; no homozygotes.

Submission:

CeGaT Center for Human Genetics Tuebingen
Classification: Likely benign. Last evaluated: 2023-03-01. Review status: criteria provided, single submitter. Criteria: CeGaT Center For Human Genetics Tuebingen Variant Classification Criteria Version 2. Collection method: clinical testing. Allele origin: germline. Affected: yes. Observed: 1 variant allele.
Comment: CRYBG2: PM2:Supporting, BP4, BP7

NM_001039775.4(CRYBG2):c.963G>A (p.Pro321=)

Gene: CRYBG2 (crystallin beta-gamma domain containing 2; minus strand). Cytogenetic location: 1p36.11.
Variant type: single nucleotide variant.
Coding change: c.963G>A on transcript NM_001039775.4 (MANE Select); coding-DNA position 963, G replaced by A.
Protein change: p.Pro321=; no amino-acid change (proline 321 retained).
Molecular consequence: synonymous variant.
Genome position (GRCh38, 1-based): chr1:26,345,695, C>T on the plus strand (G>A on the coding strand, the complement: CRYBG2 is on the minus strand). VCF-style: chr1-26345695-C-T. GRCh37 (hg19) VCF-style: chr1-26672186-C-T.
Identifiers: ClinVar variation 2638519 (VCV002638519.24), dbSNP rs1322550041, ClinGen allele CA734477131.
Genomic context (GRCh38, chr1:26,345,695, plus strand): 5'-AGGGAGCTCAGTGGAACTGGGGGCTCCCAGCACCTGCCAGAGCTCACAGGCCCTGGCATC[C>T]GGGGCTCTGCCCTGGTCTCTGTCCGGACAGGCTGCAGGGGCATCCTGATTCTTAGGCAGG-3'
Protein context (NP_001034864.2, residues 311-331): ACPDRDQGRA[Pro321=]DARACELWQV